The following is an entry in ClinVar:

ClinVar aggregate classification (germline): Likely benign (1 of 4 stars; one submission).

Allele frequency attached by ClinVar (database versions not stated): gnomAD exomes 0.00001; TOPMed 0.00002; gnomAD 0.00006.
gnomAD v4.1: 26 of 1,550,146 alleles (0.0017%); highest among the groups gnomAD compares: African/African-American, 0.0055%; no homozygotes.

Submission:

CeGaT Center for Human Genetics Tuebingen
Classification: Likely benign. Last evaluated: 2022-04-01. Review status: criteria provided, single submitter. Criteria: CeGaT Center For Human Genetics Tuebingen Variant Classification Criteria Version 2. Collection method: clinical testing. Allele origin: germline. Affected: yes. Observed: 1 variant allele.
Comment: SETD1B: BP4, BP7

NM_001353345.2(SETD1B):c.1092C>T (p.Ser364=)

Gene: SETD1B (SET domain containing 1B, histone lysine methyltransferase; plus strand). Cytogenetic location: 12q24.31.
Variant type: single nucleotide variant.
Coding change: c.1092C>T on transcript NM_001353345.2 (MANE Select); coding-DNA position 1092, C replaced by T.
Protein change: p.Ser364=; no amino-acid change (serine 364 retained).
Molecular consequence: synonymous variant.
Genome position (GRCh38, 1-based): chr12:121,810,037, C>T. VCF-style: chr12-121810037-C-T. GRCh37 (hg19) VCF-style: chr12-122247943-C-T.
Identifiers: ClinVar variation 2643424 (VCV002643424.24), dbSNP rs954293432, ClinGen allele CA244636213.